The following is an entry in ClinVar:

NM_001042492.3(NF1):c.3989A>C (p.Glu1330Ala)

Gene: NF1 (neurofibromin 1; plus strand). Cytogenetic location: 17q11.2.
Variant type: single nucleotide variant.
Coding change: c.3989A>C on transcript NM_001042492.3 (MANE Select); coding-DNA position 3989, A replaced by C.
Protein change: p.Glu1330Ala; replaces glutamic acid 1330 with alanine.
Molecular consequence: missense variant.
Genome position (GRCh38, 1-based): chr17:31,248,998, A>C. VCF-style: chr17-31248998-A-C. GRCh37 (hg19) VCF-style: chr17-29576016-A-C.
Other names: c.3989A>C, p.Glu1330Ala (NM_000267.4); short protein forms E1330A.
Identifiers: ClinVar variation 561676 (VCV000561676.21), dbSNP rs1256727206, ClinGen allele CA398994834.

ClinVar aggregate classification (germline): Conflicting classifications of pathogenicity. Review status: criteria provided, conflicting classifications (1 of 4 stars). 8 submissions from 8 submitters: Uncertain significance (7); Likely benign (1). Last evaluated 2026-02-26.

Conditions:
Juvenile myelomonocytic leukemia (JMML). Also called: LEUKEMIA, JUVENILE MYELOMONOCYTIC, SOMATIC. Identifiers: Orphanet 86834, MedGen C0349639, MONDO:0011908, OMIM 607785, HP:0012209.
Hereditary cancer-predisposing syndrome. Also called: Neoplastic Syndromes, Hereditary; Hereditary Cancer Syndrome; Tumor predisposition; Hereditary neoplastic syndrome. Identifiers: Orphanet 140162, MedGen C0027672, MeSH D009386, MONDO:0015356.
Cardiovascular phenotype. Identifiers: MedGen CN230736.
Neurofibromatosis, type 1 (NF1). Also called: Peripheral type neurofibromatosis; Neurofibromatosis, type I; VON RECKLINGHAUSEN DISEASE; NEUROFIBROMATOSIS, TYPE I, SOMATIC. Identifiers: Orphanet 636, MedGen C0027831, MONDO:0018975, OMIM 162200. Disease mechanism: loss of function.

Allele frequency attached by ClinVar (database versions not stated): gnomAD 0.00001; TOPMed 0.00002.
gnomAD v4.1: 10 of 1,614,002 alleles (0.00062%); highest among the groups gnomAD compares: Non-Finnish European, 0.00085%; no homozygotes.

Submissions (8):

Dasa
Classification: Uncertain significance for neurofibromatosis type 1. Last evaluated: 2026-02-26. Review status: criteria provided, single submitter. Criteria: DASA Assertion Criteria. Collection method: clinical testing. Allele origin: germline.
Comment: NM_001042492.3(NF1):c.3989A>C (p.Glu1330Ala) is a missense variant that results in the substitution of glutamic acid with alanine. This variant is rare in population databases. Computational prediction algorithms are consistent with a deleterious effect. The currently available literature and clinical evidence are not sufficient to establish a definitive association between this variant and the reported condition. Therefore, this variant is classified as a variant of uncertain significance.

Labcorp Genetics (formerly Invitae), Labcorp
Classification: Likely benign for Neurofibromatosis, type 1. Last evaluated: 2026-01-06. Review status: criteria provided, single submitter. Criteria: Invitae Variant Classification Sherloc (09022015). Collection method: clinical testing. Allele origin: germline.

Ambry Genetics
Classification: Uncertain significance for Cardiovascular phenotype; Hereditary cancer-predisposing syndrome. Last evaluated: 2024-12-13. Review status: criteria provided, single submitter. Criteria: Ambry Variant Classification Scheme 2023. Collection method: clinical testing. Allele origin: germline.

Victorian Clinical Genetics Services, Murdoch Childrens Research Institute
Classification: Uncertain significance for Neurofibromatosis, type 1. Last evaluated: 2024-10-09. Review status: criteria provided, single submitter. Criteria: ACMG Guidelines, 2015. Collection method: clinical testing. Allele origin: germline. Inheritance: Autosomal dominant inheritance.
Comment: Based on the classification scheme VCGS_Germline_v1.3.4, this variant is classified as VUS-3C. Following criteria are met: 0102 - Loss of function is a known mechanism of disease in this gene and is associated juvenile myelomonocytic leukemia (MIM#607785), familial spinal neurofibromatosis (MIM#162210), neurofibromatosis, type 1 (MIM#162200), neurofibromatosis-Noonan syndrome (MIM#601321) and Watson syndrome (MIM#193520). (I) 0107 - This gene is associated with autosomal dominant disease. (I) 0115 - Variants in this gene are known to have variable expressivity. Disease manifestation can be extremely variable, even within a family (PMID: 20301288). (I) 0200 - Variant is predicted to result in a missense amino acid change from glutamic acid to alanine. (I) 0251 - This variant is heterozygous. (I) 0302 - Variant is present in gnomAD (v3) <0.001 for a dominant condition (2 heterozygotes, 0 homozygotes). (SP) 0309 - An alternative amino acid change at the same position has been observed in gnomAD (v3) (1 heterozygote, 0 homozygotes). (I) 0501 - Missense variant consistently predicted to be damaging by multiple in silico tools or highly conserved with a major amino acid change. (SP) 0600 - Variant is located in the annotated GTPase-activator protein for Ras-like GTPase (RasGAP) domain (DECIPHER). (I) 0710 - Other missense variants comparable to the one identified in this case have inconclusive previous evidence for pathogenicity. p.(Glu1330Gly), p.(Glu1330Lys) , and p.(Glu1330Gln) have been classified as VUS by clinical laboratories in Clinvar. (I) 0808 - Previous reports of pathogenicity for this variant are conflicting. This variant has been reported five times in ClinVar as a variant of unknown significance and once as likely pathogenic in an individual with intellectual disability, language delay and morbid obesity (PMID: 29784605). (I) 0905 - No published segregation evidence has been identified for this variant. (I) 1007 - No published functional evidence has been identified for this variant. (I) 1207 - Parental origin of the variant is unresolved. Legend: (SP) - Supporting pathogenic, (I) - Information, (SB) - Supporting benign

Baylor Genetics
Classification: Uncertain significance for Juvenile myelomonocytic leukemia. Last evaluated: 2024-01-04. Review status: criteria provided, single submitter. Criteria: ACMG Guidelines, 2015. Collection method: clinical testing. Allele origin: unknown.

GeneDx
Classification: Uncertain significance. Last evaluated: 2022-05-12. Review status: criteria provided, single submitter. Criteria: GeneDx Variant Classification Process June 2021. Collection method: clinical testing. Allele origin: germline. Affected: yes.
Comment: Not observed at significant frequency in large population cohorts (gnomAD); In silico analysis supports that this missense variant has a deleterious effect on protein structure/function; Observed in a patient with intellectual disability and morbid obesity (Montagne 2018); This variant is associated with the following publications: (PMID: 25486365, 22807134, 29784605)

Genome-Nilou Lab
Classification: Uncertain significance for Neurofibromatosis, type 1. Last evaluated: 2022-03-15. Review status: criteria provided, single submitter. Criteria: ACMG Guidelines, 2015. Collection method: clinical testing. Allele origin: germline. Affected: no.

Mendelics
Classification: Uncertain significance for Neurofibromatosis, type 1. Last evaluated: 2018-07-02. Review status: criteria provided, single submitter. Criteria: Mendelics Assertion Criteria 2017. Collection method: clinical testing. Allele origin: unknown.

Literature cited by the submitters: PubMed 20301288 (cited by Victorian Clinical Genetics Services, Murdoch Childrens Research Institute); PubMed 29784605 (cited by Victorian Clinical Genetics Services, Murdoch Childrens Research Institute).